The following is an entry in ClinVar:

NM_001369.3(DNAH5):c.3142dup (p.Val1048fs)

Genes: DNAH5 (dynein axonemal heavy chain 5; minus strand), DNAH5-AS1 (DNAH5 antisense RNA 1; plus strand). Cytogenetic location: 5p15.2.
Variant type: Duplication.
Coding change: c.3142dup on transcript NM_001369.3 (MANE Select); coding-DNA position 3142, one base duplicated (G; older notation c.3142dupG).
Protein change: p.Val1048fs; shifts the reading frame from valine 1048.
Molecular consequence: frameshift variant.
Genome position (GRCh38, 1-based): chr5:13,882,936, C duplicated on the plus strand (G on the coding strand, the reverse complement: DNAH5 is on the minus strand); the first of 5 consecutive C bases (chr5:13,882,936-13,882,940); duplicating any one gives the same sequence. VCF-style (leftmost placement, unchanged base first): chr5-13882935-A-AC. GRCh37 (hg19) VCF-style: chr5-13883044-A-AC.
Other names: short protein forms V1048fs.
Identifiers: ClinVar variation 3591787 (VCV003591787.3).

ClinVar aggregate classification (germline): Pathogenic/Likely pathogenic. Review status: criteria provided, multiple submitters, no conflicts (2 of 4 stars). 3 submissions from 3 submitters: Pathogenic (1); Likely pathogenic (2). Last evaluated 2025-02-09.

Conditions:
DNAH5-related disorders.
Primary ciliary dyskinesia 3. Identifiers: Orphanet 244, MedGen C1837618, MONDO:0012085, OMIM 608644.

Submissions (3):

Myriad Genetics, Inc.
Classification: Pathogenic for Primary ciliary dyskinesia 3. Last evaluated: 2025-02-09. Review status: criteria provided, single submitter. Criteria: Myriad Autosomal Dominant, Autosomal Recessive and X-Linked Classification Criteria (2023). Collection method: clinical testing. Allele origin: unknown.
Comment: NM_001369.2(DNAH5):c.3142dupG(V1048Gfs*7) is expected to be pathogenic in the context of primary ciliary dyskinesia, DNAH5-related. This variant is predicted to lead to an abnormal or absent protein product due to the creation of a premature termination codon in DNAH5, a gene where loss-of-function variants are known to be pathogenic. Please note: this variant was assessed in the context of healthy population screening.

Fulgent Genetics
Classification: Likely pathogenic for Primary ciliary dyskinesia 3. Last evaluated: 2024-03-13. Review status: criteria provided, single submitter. Criteria: ACMG Guidelines, 2015. Collection method: clinical testing. Allele origin: germline.

Blueprint Genetics
Classification: Likely pathogenic for DNAH5-related disorders. Last evaluated: 2022-12-06. Review status: criteria provided, single submitter. Criteria: ACMG Guidelines, 2015. Collection method: clinical testing. Allele origin: germline. Affected: yes. Observed: 1 variant allele.